The following is an entry in ClinVar:

NM_001042492.3(NF1):c.8023C>G (p.Pro2675Ala)

Gene: NF1 (neurofibromin 1; plus strand). Cytogenetic location: 17q11.2.
Variant type: single nucleotide variant.
Coding change: c.8023C>G on transcript NM_001042492.3 (MANE Select); coding-DNA position 8023, C replaced by G.
Protein change: p.Pro2675Ala; replaces proline 2675 with alanine.
Molecular consequence: missense variant.
Genome position (GRCh38, 1-based): chr17:31,358,532, C>G. VCF-style: chr17-31358532-C-G. GRCh37 (hg19) VCF-style: chr17-29685550-C-G.
Other names: c.7960C>G, p.Pro2654Ala (NM_000267.4); short protein forms P2654A, P2675A.
Identifiers: ClinVar variation 3237965 (VCV003237965.1), dbSNP rs1597868132.

ClinVar aggregate classification (germline): Uncertain significance (1 of 4 stars; one submission).

Conditions:
Hereditary cancer-predisposing syndrome. Also called: Neoplastic Syndromes, Hereditary; Tumor predisposition; Hereditary neoplastic syndrome; Hereditary Cancer Syndrome. Identifiers: Orphanet 140162, MedGen C0027672, MeSH D009386, MONDO:0015356.
Cardiovascular phenotype. Identifiers: MedGen CN230736.

Submission:

Ambry Genetics
Classification: Uncertain significance for Cardiovascular phenotype; Hereditary cancer-predisposing syndrome. Last evaluated: 2023-10-01. Review status: criteria provided, single submitter. Criteria: Ambry Variant Classification Scheme 2023. Collection method: clinical testing. Allele origin: germline.
Comment: The p.P2654A variant (also known as c.7960C>G), located in coding exon 54 of the NF1 gene, results from a C to G substitution at nucleotide position 7960. The proline at codon 2654 is replaced by alanine, an amino acid with highly similar properties. This amino acid position is conserved. In addition, this alteration is predicted to be tolerated by in silico analysis. Since supporting evidence is limited at this time, the clinical significance of this alteration remains unclear.